The following is an entry in ClinVar:

ClinVar aggregate classification (germline): Likely benign (0 of 4 stars; one submission).

Conditions:
KIDINS220-related disorder. Also called: KIDINS220-related condition.

Submission:

PreventionGenetics, part of Exact Sciences
Classification: Likely benign for KIDINS220-related condition. Last evaluated: 2022-04-28. Review status: no assertion criteria provided. Collection method: clinical testing. Allele origin: germline.
Comment: This variant is classified as likely benign based on ACMG/AMP sequence variant interpretation guidelines (Richards et al. 2015 PMID: 25741868, with internal and published modifications).

NM_020738.4(KIDINS220):c.2614+9C>G

Gene: KIDINS220 (kinase D interacting substrate 220; minus strand). Cytogenetic location: 2p25.1.
Variant type: single nucleotide variant.
Coding change: c.2614+9C>G on transcript NM_020738.4 (MANE Select); 9 bases into the intron after coding-DNA position 2614, C replaced by G.
Molecular consequence: intron variant.
Genome position (GRCh38, 1-based): chr2:8,778,887, G>C on the plus strand (C>G on the coding strand, the complement: KIDINS220 is on the minus strand). VCF-style: chr2-8778887-G-C. GRCh37 (hg19) VCF-style: chr2-8919017-G-C.
Other names: c.2614+9C>G (NM_001348741.2, NM_001348738.2, NM_001348742.2 and 3 more transcripts); c.2617+9C>G (NM_001348739.2, NM_001348740.2, NM_001348734.2 and 3 more transcripts); c.2488+9C>G (NM_001348736.2).
Identifiers: ClinVar variation 3353362 (VCV003353362.1).